The following is an entry in ClinVar:

ClinVar aggregate classification (germline): Uncertain significance (1 of 4 stars; one submission).

gnomAD v4.1: 1 of 1,614,076 alleles (0.000062%); no homozygotes.

Submission:

Labcorp Genetics (formerly Invitae), Labcorp
Classification: Uncertain significance. Last evaluated: 2025-10-13. Review status: criteria provided, single submitter. Criteria: Invitae Variant Classification Sherloc (09022015). Collection method: clinical testing. Allele origin: germline.
Comment: This sequence change replaces threonine, which is neutral and polar, with serine, which is neutral and polar, at codon 5195 of the USH2A protein (p.Thr5195Ser). This variant is not present in population databases (gnomAD no frequency). This variant has not been reported in the literature in individuals affected with USH2A-related conditions. ClinVar contains an entry for this variant (Variation ID: 1350571). Invitae Evidence Modeling of protein sequence and biophysical properties (such as structural, functional, and spatial information, amino acid conservation, physicochemical variation, residue mobility, and thermodynamic stability) has been performed for this missense variant. However, the output from this modeling did not meet the statistical confidence thresholds required to predict the impact of this variant on USH2A protein function. In summary, the available evidence is currently insufficient to determine the role of this variant in disease. Therefore, it has been classified as a Variant of Uncertain Significance.

NM_206933.4(USH2A):c.15584C>G (p.Thr5195Ser)

Gene: USH2A (usherin; minus strand). Cytogenetic location: 1q41.
Variant type: single nucleotide variant.
Coding change: c.15584C>G on transcript NM_206933.4 (MANE Select); coding-DNA position 15584, C replaced by G.
Protein change: p.Thr5195Ser; replaces threonine 5195 with serine.
Molecular consequence: missense variant.
Genome position (GRCh38, 1-based): chr1:215,625,806, G>C on the plus strand (C>G on the coding strand, the complement: USH2A is on the minus strand). VCF-style: chr1-215625806-G-C. GRCh37 (hg19) VCF-style: chr1-215799148-G-C.
Other names: short protein forms T5195S.
Identifiers: ClinVar variation 1350571 (VCV001350571.5), dbSNP rs915038916, ClinGen allele CA344820279.